The following is an entry in ClinVar:

ClinVar aggregate classification (germline): Pathogenic. Review status: criteria provided, single submitter (1 of 4 stars). 2 submissions from 2 submitters: Pathogenic (1). 1 of the submissions does not count toward it. Last evaluated 2022-04-21.

Conditions:
Retinal dystrophy. Also called: Inherited retinal dystrophy. Identifiers: Orphanet 71862, MedGen C0854723, MeSH D058499, MONDO:0019118, HP:0000556.

Submissions (2):

Labcorp Genetics (formerly Invitae), Labcorp
Classification: Pathogenic. Last evaluated: 2022-04-21. Review status: criteria provided, single submitter. Criteria: Invitae Variant Classification Sherloc (09022015). Collection method: clinical testing. Allele origin: germline.
Comment: For these reasons, this variant has been classified as Pathogenic. ClinVar contains an entry for this variant (Variation ID: 1075258). This premature translational stop signal has been observed in individual(s) with choroideremia (PMID: 25744334). This variant is not present in population databases (gnomAD no frequency). This sequence change creates a premature translational stop signal (p.Thr206Asnfs*17) in the CHM gene. It is expected to result in an absent or disrupted protein product. Loss-of-function variants in CHM are known to be pathogenic (PMID: 9067750, 23811034).

Institute of Human Genetics, Univ. Regensburg, Univ. Regensburg
Classification: Pathogenic for Retinal dystrophy. Last evaluated: 2017-01-01. Review status: no assertion criteria provided. Criteria: ACMG Guidelines, 2015. Collection method: clinical testing. Allele origin: germline. Affected: yes. Not counted in ClinVar's aggregate classification.

Literature cited by the submitters: PubMed 25744334 (cited by Labcorp Genetics (formerly Invitae), Labcorp); PubMed 9067750 (cited by Labcorp Genetics (formerly Invitae), Labcorp); PubMed 23811034 (cited by Labcorp Genetics (formerly Invitae), Labcorp).

NM_000390.4(CHM):c.616dup (p.Thr206fs)

Gene: CHM (CHM Rab escort protein; minus strand). Cytogenetic location: Xq21.2.
Variant type: Duplication.
Coding change: c.616dup on transcript NM_000390.4 (MANE Select); coding-DNA position 616, one base duplicated (A; older notation c.616dupA).
Protein change: p.Thr206fs; shifts the reading frame from threonine 206.
Molecular consequence: frameshift variant.
Genome position (GRCh38, 1-based): chrX:85,963,751, T duplicated on the plus strand (A on the coding strand, the reverse complement: CHM is on the minus strand). VCF-style (leftmost placement, unchanged base first): chrX-85963750-G-GT. GRCh37 (hg19) VCF-style: chrX-85218755-G-GT.
Other names: c.172dup, p.Thr58fs (NM_001320959.1, NM_001362517.1, NM_001362518.2 and 1 more transcripts); short protein forms T206fs, T58fs.
Identifiers: ClinVar variation 1075258 (VCV001075258.10), dbSNP rs2147675545, ClinGen allele CA2499226909.